The following is an entry in ClinVar:

NM_004990.4(MARS1):c.1874G>A (p.Arg625Gln)

Gene: MARS1 (methionyl-tRNA synthetase 1; plus strand). Cytogenetic location: 12q13.3.
Variant type: single nucleotide variant.
Coding change: c.1874G>A on transcript NM_004990.4 (MANE Select); coding-DNA position 1874, G replaced by A.
Protein change: p.Arg625Gln; replaces arginine 625 with glutamine.
Molecular consequence: missense variant.
Genome position (GRCh38, 1-based): chr12:57,512,871, G>A. VCF-style: chr12-57512871-G-A. GRCh37 (hg19) VCF-style: chr12-57906654-G-A.
Other names: short protein forms R625Q.
Identifiers: ClinVar variation 2930021 (VCV002930021.3), dbSNP rs759133961, ClinGen allele CA6650643.

ClinVar aggregate classification (germline): Uncertain significance (1 of 4 stars; one submission).

Conditions:
Severe early-onset pulmonary alveolar proteinosis due to MARS deficiency. Also called: PULMONARY ALVEOLAR PROTEINOSIS, REUNION ISLAND; Interstitial lung and liver disease. Identifiers: Orphanet 440427, MedGen C4225400, MONDO:0014206, OMIM 615486.
Charcot-Marie-Tooth disease axonal type 2U. Also called: CHARCOT-MARIE-TOOTH NEUROPATHY, TYPE 2U; CHARCOT-MARIE-TOOTH DISEASE, AXONAL, AUTOSOMAL DOMINANT, TYPE 2U. Identifiers: Orphanet 397735, MedGen C4084821, MONDO:0014566, OMIM 616280.

Allele frequency attached by ClinVar (database versions not stated): ExAC 0.00001.
gnomAD v4.1: 2 of 1,614,208 alleles (0.00012%); highest among the groups gnomAD compares: Non-Finnish European, 0.00017%; no homozygotes.

Submission:

Labcorp Genetics (formerly Invitae), Labcorp
Classification: Uncertain significance for Charcot-Marie-Tooth disease axonal type 2U; Severe early-onset pulmonary alveolar proteinosis due to MARS deficiency. Last evaluated: 2023-06-21. Review status: criteria provided, single submitter. Criteria: Invitae Variant Classification Sherloc (09022015). Collection method: clinical testing. Allele origin: germline.
Comment: In summary, the available evidence is currently insufficient to determine the role of this variant in disease. Therefore, it has been classified as a Variant of Uncertain Significance. Algorithms developed to predict the effect of sequence changes on RNA splicing suggest that this variant may create or strengthen a splice site. An algorithm developed to predict the effect of missense changes on protein structure and function (PolyPhen-2) suggests that this variant is likely to be disruptive. This variant has not been reported in the literature in individuals affected with MARS-related conditions. This variant is present in population databases (rs759133961, gnomAD 0.0009%). This sequence change replaces arginine, which is basic and polar, with glutamine, which is neutral and polar, at codon 625 of the MARS protein (p.Arg625Gln).